The following is an entry in ClinVar:

NM_001042492.3(NF1):c.1376C>T (p.Ala459Val)

Gene: NF1 (neurofibromin 1; plus strand). Cytogenetic location: 17q11.2.
Variant type: single nucleotide variant.
Coding change: c.1376C>T on transcript NM_001042492.3 (MANE Select); coding-DNA position 1376, C replaced by T.
Protein change: p.Ala459Val; replaces alanine 459 with valine.
Molecular consequence: missense variant.
Genome position (GRCh38, 1-based): chr17:31,206,355, C>T. VCF-style: chr17-31206355-C-T. GRCh37 (hg19) VCF-style: chr17-29533373-C-T.
Other names: c.1376C>T, p.Ala459Val (NM_000267.4, NM_001128147.3); short protein forms A459V.
Identifiers: ClinVar variation 855319 (VCV000855319.4), dbSNP rs1131691070, ClinGen allele CA398999824.

ClinVar aggregate classification (germline): Uncertain significance. Review status: criteria provided, multiple submitters, no conflicts (2 of 4 stars). 2 submissions from 2 submitters: Uncertain significance (2). Last evaluated 2021-03-01.

Conditions:
Hereditary cancer-predisposing syndrome. Also called: Hereditary neoplastic syndrome; Tumor predisposition; Neoplastic Syndromes, Hereditary; Hereditary Cancer Syndrome. Identifiers: Orphanet 140162, MedGen C0027672, MeSH D009386, MONDO:0015356.
Cardiovascular phenotype. Identifiers: MedGen CN230736.
Neurofibromatosis, type 1 (NF1). Also called: Neurofibromatosis, type I; VON RECKLINGHAUSEN DISEASE; Peripheral type neurofibromatosis; NEUROFIBROMATOSIS, TYPE I, SOMATIC. Identifiers: Orphanet 636, MedGen C0027831, MONDO:0018975, OMIM 162200. Disease mechanism: loss of function.

Submissions (2):

Ambry Genetics
Classification: Uncertain significance for Cardiovascular phenotype; Hereditary cancer-predisposing syndrome. Last evaluated: 2021-03-01. Review status: criteria provided, single submitter. Criteria: Ambry Variant Classification Scheme 2023. Collection method: clinical testing. Allele origin: germline.
Comment: The p.A459V variant (also known as c.1376C>T), located in coding exon 12 of the NF1 gene, results from a C to T substitution at nucleotide position 1376. The alanine at codon 459 is replaced by valine, an amino acid with similar properties. This amino acid position is not well conserved in available vertebrate species. In addition, the in silico prediction for this alteration is inconclusive. Since supporting evidence is limited at this time, the clinical significance of this alteration remains unclear.

Labcorp Genetics (formerly Invitae), Labcorp
Classification: Uncertain significance for Neurofibromatosis, type 1. Last evaluated: 2019-12-02. Review status: criteria provided, single submitter. Criteria: Invitae Variant Classification Sherloc (09022015). Collection method: clinical testing. Allele origin: germline.
Comment: This sequence change replaces alanine with valine at codon 459 of the NF1 protein (p.Ala459Val). The alanine residue is moderately conserved and there is a small physicochemical difference between alanine and valine. This variant is not present in population databases (ExAC no frequency). This variant has not been reported in the literature in individuals with NF1-related conditions. Algorithms developed to predict the effect of missense changes on protein structure and function (SIFT, PolyPhen-2, Align-GVGD) all suggest that this variant is likely to be tolerated, but these predictions have not been confirmed by published functional studies and their clinical significance is uncertain. In summary, the available evidence is currently insufficient to determine the role of this variant in disease. Therefore, it has been classified as a Variant of Uncertain Significance.